The following is an entry in ClinVar:

NM_002890.3(RASA1):c.23G>C (p.Ser8Thr)

Gene: RASA1 (RAS p21 protein activator 1; plus strand). Cytogenetic location: 5q14.3.
Variant type: single nucleotide variant.
Coding change: c.23G>C on transcript NM_002890.3 (MANE Select); coding-DNA position 23, G replaced by C.
Protein change: p.Ser8Thr; replaces serine 8 with threonine.
Molecular consequence: missense variant.
Genome position (GRCh38, 1-based): chr5:87,268,474, G>C. VCF-style: chr5-87268474-G-C. GRCh37 (hg19) VCF-style: chr5-86564291-G-C.
Other names: short protein forms S8T.
Identifiers: ClinVar variation 1986090 (VCV001986090.4), dbSNP rs1479481218, ClinGen allele CA360416627.

ClinVar aggregate classification (germline): Uncertain significance (1 of 4 stars; one submission).

Conditions:
Capillary malformation-arteriovenous malformation syndrome. Also called: Capillary malformation-arteriovenous malformation. Identifiers: Orphanet 137667, MedGen C1842180, MONDO:0012016.

Submission:

Labcorp Genetics (formerly Invitae), Labcorp
Classification: Uncertain significance for Capillary malformation-arteriovenous malformation syndrome. Last evaluated: 2025-10-19. Review status: criteria provided, single submitter. Criteria: Invitae Variant Classification Sherloc (09022015). Collection method: clinical testing. Allele origin: germline.
Comment: This sequence change replaces serine, which is neutral and polar, with threonine, which is neutral and polar, at codon 8 of the RASA1 protein (p.Ser8Thr). This variant is not present in population databases (gnomAD no frequency). This variant has not been reported in the literature in individuals affected with RASA1-related conditions. ClinVar contains an entry for this variant (Variation ID: 1986090). An algorithm developed to predict the effect of missense changes on protein structure and function (PolyPhen-2) suggests that this variant is likely to be tolerated. In summary, the available evidence is currently insufficient to determine the role of this variant in disease. Therefore, it has been classified as a Variant of Uncertain Significance.